The following is an entry in ClinVar:

NM_003764.4(STX11):c.9C>A (p.Asp3Glu)

Gene: STX11 (syntaxin 11; plus strand). Cytogenetic location: 6q24.2.
Variant type: single nucleotide variant.
Coding change: c.9C>A on transcript NM_003764.4 (MANE Select); coding-DNA position 9, C replaced by A.
Protein change: p.Asp3Glu; replaces aspartic acid 3 with glutamic acid.
Molecular consequence: missense variant.
Genome position (GRCh38, 1-based): chr6:144,186,636, C>A. VCF-style: chr6-144186636-C-A. GRCh37 (hg19) VCF-style: chr6-144507773-C-A.
Other names: short protein forms D3E.
Identifiers: ClinVar variation 852209 (VCV000852209.8), dbSNP rs754278775, ClinGen allele CA4031591.

ClinVar aggregate classification (germline): Uncertain significance. Review status: criteria provided, multiple submitters, no conflicts (2 of 4 stars). 2 submissions from 2 submitters: Uncertain significance (2). Last evaluated 2022-09-13.

Conditions:
Familial hemophagocytic lymphohistiocytosis 4 (FHL4). Also called: STX11-Related Familial Hemophagocytic Lymphohistiocytosis (STX11-fHLH). Identifiers: Orphanet 540, MedGen C1863728, MONDO:0011336, OMIM 603552.

Allele frequency attached by ClinVar (database versions not stated): gnomAD exomes 0.00002 and 0.00005; ExAC 0.00003; gnomAD 0.00007 and 0.00009; TOPMed 0.00007.
gnomAD v4.1: 80 of 1,613,974 alleles (0.005%); highest among the groups gnomAD compares: Non-Finnish European, 0.0064%; no homozygotes.

Submissions (2):

Labcorp Genetics (formerly Invitae), Labcorp
Classification: Uncertain significance for Familial hemophagocytic lymphohistiocytosis 4. Last evaluated: 2022-09-13. Review status: criteria provided, single submitter. Criteria: Invitae Variant Classification Sherloc (09022015). Collection method: clinical testing. Allele origin: germline.
Comment: This sequence change replaces aspartic acid, which is acidic and polar, with glutamic acid, which is acidic and polar, at codon 3 of the STX11 protein (p.Asp3Glu). This variant is present in population databases (rs754278775, gnomAD 0.006%). This missense change has been observed in individual(s) with familial hemophagocytic lymphohistiocytosis (PMID: 24916509). ClinVar contains an entry for this variant (Variation ID: 852209). Algorithms developed to predict the effect of missense changes on protein structure and function are either unavailable or do not agree on the potential impact of this missense change (SIFT: "Deleterious"; PolyPhen-2: "Probably Damaging"; Align-GVGD: "Class C0"). In summary, the available evidence is currently insufficient to determine the role of this variant in disease. Therefore, it has been classified as a Variant of Uncertain Significance.

Blueprint Genetics
Classification: Uncertain significance. Last evaluated: 2022-07-13. Review status: criteria provided, single submitter. Criteria: ACMG Guidelines, 2015. Collection method: clinical testing. Allele origin: germline.

Literature cited by the submitters: PubMed 24916509 (cited by Labcorp Genetics (formerly Invitae), Labcorp).